The following is an entry in ClinVar:

NM_152564.5(VPS13B):c.7576C>T (p.Gln2526Ter)

Gene: VPS13B (vacuolar protein sorting 13 homolog B; plus strand). Cytogenetic location: 8q22.2.
Variant type: single nucleotide variant.
Coding change: c.7576C>T on transcript NM_152564.5 (MANE Select); coding-DNA position 7576, C replaced by T.
Protein change: p.Gln2526Ter; replaces glutamine 2526 with a stop codon.
Molecular consequence: nonsense.
Genome position (GRCh38, 1-based): chr8:99,778,828, C>T. VCF-style: chr8-99778828-C-T. GRCh37 (hg19) VCF-style: chr8-100791056-C-T.
Other names: c.7651C>T, p.Gln2551Ter (NM_017890.5); short protein forms Q2526*, Q2551*.
Identifiers: ClinVar variation 951118 (VCV000951118.8), dbSNP rs1811869155, ClinGen allele CA371876262.

ClinVar aggregate classification (germline): Pathogenic. Review status: criteria provided, multiple submitters, no conflicts (2 of 4 stars). 2 submissions from 2 submitters: Pathogenic (2). Last evaluated 2024-05-08.

Conditions:
Cohen syndrome (COH1). Also called: PEPPER SYNDROME; Cutis verticis gyrata, retinitis pigmentosa, and sensorineural deafness. Identifiers: Orphanet 193, MedGen C0265223, MONDO:0008999, OMIM 216550.

Submissions (2):

Myriad Genetics, Inc.
Classification: Pathogenic for Cohen syndrome. Last evaluated: 2024-05-08. Review status: criteria provided, single submitter. Criteria: Myriad Autosomal Dominant, Autosomal Recessive and X-Linked Classification Criteria (2023). Collection method: clinical testing. Allele origin: unknown.
Comment: NM_017890.4(VPS13B):c.7651C>T(Q2551*) is expected to be pathogenic in the context of Cohen syndrome. This variant is predicted to lead to an abnormal or absent protein product due to the creation of a premature termination codon in VPS13B, a gene where loss-of-function variants are known to be pathogenic. Please note: this variant was assessed in the context of healthy population screening.

Labcorp Genetics (formerly Invitae), Labcorp
Classification: Pathogenic for Cohen syndrome. Last evaluated: 2019-05-26. Review status: criteria provided, single submitter. Criteria: Invitae Variant Classification Sherloc (09022015). Collection method: clinical testing. Allele origin: germline.
Comment: For these reasons, this variant has been classified as Pathogenic. Loss-of-function variants in VPS13B are known to be pathogenic (PMID: 15141358, 16648375, 20461111). This variant has not been reported in the literature in individuals with VPS13B-related conditions. This variant is not present in population databases (ExAC no frequency). This sequence change creates a premature translational stop signal (p.Gln2551*) in the VPS13B gene. It is expected to result in an absent or disrupted protein product.

Literature cited by the submitters: PubMed 15141358 (cited by Labcorp Genetics (formerly Invitae), Labcorp); PubMed 16648375 (cited by Labcorp Genetics (formerly Invitae), Labcorp); PubMed 20461111 (cited by Labcorp Genetics (formerly Invitae), Labcorp).